The following is an entry in ClinVar:

NM_001003800.2(BICD2):c.1667A>C (p.Tyr556Ser)

Gene: BICD2 (BICD cargo adaptor 2; minus strand). Cytogenetic location: 9q22.31.
Variant type: single nucleotide variant.
Coding change: c.1667A>C on transcript NM_001003800.2 (MANE Select); coding-DNA position 1667, A replaced by C.
Protein change: p.Tyr556Ser; replaces tyrosine 556 with serine.
Molecular consequence: missense variant.
Genome position (GRCh38, 1-based): chr9:92,718,978, T>G on the plus strand (A>C on the coding strand, the complement: BICD2 is on the minus strand). VCF-style: chr9-92718978-T-G. GRCh37 (hg19) VCF-style: chr9-95481260-T-G.
Other names: c.1667A>C, p.Tyr556Ser (NM_015250.4); short protein forms Y556S.
Identifiers: ClinVar variation 647320 (VCV000647320.14), dbSNP rs1587668748, ClinGen allele CA374036431.
Genomic context (GRCh38, chr9:92,718,978, plus strand): 5'-TCGGGGCTGGTGCGGCCCCCGGGACTGGTGCGGCCGGCCCCGCCCTGGCCCTCGCGGTAG[T>G]AGTCCAGCATGACACGGTTGGGTGTCTCATTGTTGCACATGCACACGTGGTGGTAGAGAT-3'
Protein context (NP_001003800.1, residues 546-566): NETPNRVMLD[Tyr556Ser]YREGQGGAGR

ClinVar aggregate classification (germline): Likely pathogenic. Review status: criteria provided, multiple submitters, no conflicts (2 of 4 stars). 2 submissions from 2 submitters: Likely pathogenic (2). Last evaluated 2019-03-28.

Conditions:
Autosomal dominant childhood-onset proximal spinal muscular atrophy with contractures (SMALED2A). Also called: SPINAL MUSCULAR ATROPHY, LOWER EXTREMITY-PREDOMINANT, 2A, CHILDHOOD ONSET, AUTOSOMAL DOMINANT; Spinal muscular atrophy, lower extremity-predominant, 2A, autosomal dominant. Identifiers: Orphanet 363447, Orphanet 363454, MedGen C4747715, MONDO:0014121, OMIM 615290.

Submissions (2):

Labcorp Genetics (formerly Invitae), Labcorp
Classification: Likely pathogenic for Autosomal dominant childhood-onset proximal spinal muscular atrophy with contractures. Last evaluated: 2019-03-28. Review status: criteria provided, single submitter. Criteria: Invitae Variant Classification Sherloc (09022015). Collection method: clinical testing. Allele origin: germline.
Comment: In summary, the currently available evidence indicates that the variant is pathogenic, but additional data are needed to prove that conclusively. Therefore, this variant has been classified as Likely Pathogenic. Algorithms developed to predict the effect of missense changes on protein structure and function are either unavailable or do not agree on the potential impact of this missense change (SIFT: "Deleterious"; PolyPhen-2: "Probably Damaging"; Align-GVGD: "Class C0"). This variant is not present in population databases (ExAC no frequency). This sequence change replaces tyrosine with serine at codon 556 of the BICD2 protein (p.Tyr556Ser). The tyrosine residue is moderately conserved and there is a large physicochemical difference between tyrosine and serine.

Centre for Mendelian Genomics, University Medical Centre Ljubljana
Classification: Likely pathogenic for Autosomal dominant childhood-onset proximal spinal muscular atrophy with contractures. Last evaluated: 2018-10-31. Review status: criteria provided, single submitter. Criteria: ACMG Guidelines, 2015. Collection method: clinical testing. Allele origin: unknown. Affected: yes.
Comment: This variant was classified as: Likely pathogenic. The following ACMG criteria were applied in classifying this variant: PS2,PM2,PP3.